The following is an entry in ClinVar:

NM_024915.4(GRHL2):c.1042G>A (p.Glu348Lys)

Gene: GRHL2 (grainyhead like transcription factor 2; plus strand). Cytogenetic location: 8q22.3.
Variant type: single nucleotide variant.
Coding change: c.1042G>A on transcript NM_024915.4 (MANE Select); coding-DNA position 1042, G replaced by A.
Protein change: p.Glu348Lys; replaces glutamic acid 348 with lysine.
Molecular consequence: missense variant.
Genome position (GRCh38, 1-based): chr8:101,599,095, G>A. VCF-style: chr8-101599095-G-A. GRCh37 (hg19) VCF-style: chr8-102611323-G-A.
Other names: c.994G>A, p.Glu332Lys (NM_001330593.2); short protein forms E332K, E348K.
Identifiers: ClinVar variation 2767234 (VCV002767234.3), dbSNP rs2536895081, ClinGen allele CA371645361.

ClinVar aggregate classification (germline): Uncertain significance (1 of 4 stars; one submission).

Allele frequency attached by ClinVar (database versions not stated): gnomAD exomes below 0.00001.
gnomAD v4.1: 2 of 1,613,638 alleles (0.00012%); highest among the groups gnomAD compares: Middle Eastern, 0.017%; no homozygotes.

Submission:

Labcorp Genetics (formerly Invitae), Labcorp
Classification: Uncertain significance. Last evaluated: 2023-10-09. Review status: criteria provided, single submitter. Criteria: Invitae Variant Classification Sherloc (09022015). Collection method: clinical testing. Allele origin: germline.
Comment: This sequence change replaces glutamic acid, which is acidic and polar, with lysine, which is basic and polar, at codon 348 of the GRHL2 protein (p.Glu348Lys). This variant is not present in population databases (gnomAD no frequency). This variant has not been reported in the literature in individuals affected with GRHL2-related conditions. Advanced modeling of protein sequence and biophysical properties (such as structural, functional, and spatial information, amino acid conservation, physicochemical variation, residue mobility, and thermodynamic stability) performed at Invitae indicates that this missense variant is expected to disrupt GRHL2 protein function. In summary, the available evidence is currently insufficient to determine the role of this variant in disease. Therefore, it has been classified as a Variant of Uncertain Significance.